The following is an entry in ClinVar:

ClinVar aggregate classification (germline): Pathogenic (0 of 4 stars; one submission).

Conditions:
Alkaptonuria (AKU). Also called: Alkaptonuric ochronosis; Homogentisic acidura; Alcaptonuria; HOMOGENTISIC ACID OXIDASE DEFICIENCY. Identifiers: Orphanet 56, MedGen C0002066, MONDO:0008753, OMIM 203500.

Submission:

Department Of Human Genetics, Institute Of Clinical And Translational Research, Biomedical Research Center, Slovak Academy Of Sciences
Classification: Pathogenic for Alkaptonuria. Review status: no assertion criteria provided. Collection method: research. Allele origin: germline. Inheritance: Autosomal recessive inheritance. Affected: yes. Observed: 2 variant alleles.
Comment: The variant was originally described in AKU patient in DOI 10.4274/jpr.20982. It has been submitted to the HGD gene mutation database (DB-ID: AKU_00236).

Literature cited by the submitters: DOI org/10.4274/jpr.20982.

NM_000187.4(HGD):c.1007G>A (p.Arg336Lys)

Gene: HGD (homogentisate 1,2-dioxygenase; minus strand). Cytogenetic location: 3q13.33.
Variant type: single nucleotide variant.
Coding change: c.1007G>A on transcript NM_000187.4 (MANE Select); coding-DNA position 1007, G replaced by A.
Protein change: p.Arg336Lys; replaces arginine 336 with lysine.
Molecular consequence: missense variant.
Genome position (GRCh38, 1-based): chr3:120,633,328, C>T on the plus strand (G>A on the coding strand, the complement: HGD is on the minus strand). VCF-style: chr3-120633328-C-T. GRCh37 (hg19) VCF-style: chr3-120352175-C-T.
Other names: short protein forms R336K.
Identifiers: ClinVar variation 2627726 (VCV002627726.1), dbSNP rs2472652738, ClinGen allele CA354073045.
Genomic context (GRCh38, chr3:120,633,328, plus strand): 5'-CCACCTTGCTTTGCCTCATAGTGACCTCGGATGAGTCCCATGAACTCACTCATGCAGTTC[C>T]CTGGGAAGGTTGAAGCAGTATTATTTTTATTATCCAAGGCAAGACCAGTAAAACACAAAG-3'
Protein context (NP_000178.2, residues 326-346): DKTFRPPYYH[Arg336Lys]NCMSEFMGLI